The following is an entry in ClinVar:

ClinVar aggregate classification (germline): Conflicting classifications of pathogenicity. Review status: criteria provided, conflicting classifications (1 of 4 stars). 3 submissions from 3 submitters: Uncertain significance (2); Likely benign (1). Last evaluated 2025-12-16.

Conditions:
Cardiovascular phenotype. Identifiers: MedGen CN230736.
Long QT syndrome (LQTS). Identifiers: MedGen C0023976, MeSH D008133, MONDO:0002442. Disease mechanism: loss of function. Inheritance: Various modes of inheritance.

Allele frequency attached by ClinVar (database versions not stated): gnomAD exomes below 0.00001 and 0.00001; ExAC 0.00002; gnomAD 0.00003; TOPMed 0.00003.
gnomAD v4.1: 5 of 1,613,850 alleles (0.00031%); highest among the groups gnomAD compares: African/African-American, 0.0067%; no homozygotes.

Submissions (3):

Labcorp Genetics (formerly Invitae), Labcorp
Classification: Uncertain significance for Long QT syndrome. Last evaluated: 2025-12-16. Review status: criteria provided, single submitter. Criteria: Invitae Variant Classification Sherloc (09022015). Collection method: clinical testing. Allele origin: germline.
Comment: This sequence change replaces aspartic acid, which is acidic and polar, with asparagine, which is neutral and polar, at codon 1099 of the CACNA1C protein (p.Asp1099Asn). This variant is present in population databases (rs771549676, gnomAD 0.02%). This variant has not been reported in the literature in individuals affected with CACNA1C-related conditions. ClinVar contains an entry for this variant (Variation ID: 190704). Invitae Evidence Modeling of protein sequence and biophysical properties (such as structural, functional, and spatial information, amino acid conservation, physicochemical variation, residue mobility, and thermodynamic stability) has been performed for this missense variant. However, the output from this modeling did not meet the statistical confidence thresholds required to predict the impact of this variant on CACNA1C protein function. In summary, the available evidence is currently insufficient to determine the role of this variant in disease. Therefore, it has been classified as a Variant of Uncertain Significance.

Ambry Genetics
Classification: Likely benign for Cardiovascular phenotype. Last evaluated: 2021-11-17. Review status: criteria provided, single submitter. Criteria: Ambry Variant Classification Scheme 2023. Collection method: clinical testing. Allele origin: germline.

GeneDx
Classification: Uncertain significance. Last evaluated: 2018-09-12. Review status: criteria provided, single submitter. Criteria: GeneDx Variant Classification (06012015). Collection method: clinical testing. Allele origin: germline. Affected: yes.
Comment: The Asp1099Asn variant in the CACNA1C gene has not been reported previously as a disease-causing mutation nor as a benign polymorphism, to our knowledge. Asp1099Asn results in a non-conservative amino acid substitution of a negatively charged Aspartic acid with a neutral, polar Asparagine at a residue that is conserved across species. Additionally, the Asp1099Asn variant was not detected in up to 600 alleles from control individuals of Caucasian and African American ancestry tested at GeneDx, indicating it is not a common benign variant in these populations. In silico analysis predicts Asp1099Asn is possibly damaging to the protein structure/function. However, Asp1099Asn is located in a region of the CACNA1C gene with few reported mutations, suggesting this region of the protein may be tolerant of change. In summary, with the clinical and molecular information available at this time, we cannot unequivocally determine whether the Asp1099Asn variant is a disease-causing mutation or a rare benign variant. The variant is found in LQT panel(s).

NM_000719.7(CACNA1C):c.3295G>A (p.Asp1099Asn)

Gene: CACNA1C (calcium voltage-gated channel subunit alpha1 C; plus strand). Cytogenetic location: 12p13.33.
Variant type: single nucleotide variant.
Coding change: c.3295G>A on transcript NM_000719.7 (MANE Select); coding-DNA position 3295, G replaced by A.
Protein change: p.Asp1099Asn; replaces aspartic acid 1099 with asparagine.
Molecular consequence: missense variant.
Genome position (GRCh38, 1-based): chr12:2,607,069, G>A. VCF-style: chr12-2607069-G-A. GRCh37 (hg19) VCF-style: chr12-2716235-G-A.
Other names: p.D1099N:GAC>AAC; c.3355G>A, p.Asp1119Asn (NM_001129827.2, NM_001129832.2, NM_199460.4); c.3295G>A, p.Asp1099Asn (NM_001129829.2, NM_001129830.3, NM_001129831.2 and 15 more transcripts); c.3286G>A, p.Asp1096Asn (NM_001129844.2); short protein forms D1099N, D1119N, D1096N.
Identifiers: ClinVar variation 190704 (VCV000190704.14), dbSNP rs771549676, ClinGen allele CA301759.
Genomic context (GRCh38, chr12:2,607,069, plus strand): 5'-GGGGAGGTTGACCACCCCATCATCCAACCCCGCAGCTGGGAGAACAGCAAGTTTGACTTT[G>A]ACAATGTTCTGGCAGCCATGATGGCCCTCTTCACCGTCTCCACCTTCGAAGGGTGGCCAG-3'
Protein context (NP_000710.5, residues 1089-1109): RSWENSKFDF[Asp1099Asn]NVLAAMMALF